The following is an entry in ClinVar:

ClinVar aggregate classification (germline): Uncertain significance (1 of 4 stars; one submission).

Conditions:
Prieto syndrome. Also called: MENTAL RETARDATION, X-LINKED, SYNDROMIC 2. Identifiers: Orphanet 2958, MedGen C1839730, MONDO:0010667, OMIM 309610.

Submission:

Foundation for Research in Genetics and Endocrinology, FRIGE's Institute of Human Genetics
Classification: Uncertain significance for Prieto syndrome. Last evaluated: 2026-05-11. Review status: criteria provided, single submitter. Criteria: ACMG Guidelines, 2015. Collection method: clinical testing. Allele origin: germline. Inheritance: X-linked recessive inheritance. Affected: yes. Observed: 1 variant allele, 1 hemizygote.
Comment: A hemizygous missense variant in exon 3 of the WNK3 gene that results in the amino acid substitution of Lysine for Arginine at codon 190 (p.Arg190Lys) was detected . The p.Arg190Lys variant has not been reported in the 1000 genomes, gnomAD (v3.1), gnomAD (v2.1) and topmed databases. The in-silico predictions of the variant are damaging by SIFT and LRT. The reference codon is conserved across species. In summary, the variant meets our criteria to be classified as a variant of uncertain significance.

NM_020922.5(WNK3):c.569G>A (p.Arg190Lys)

Gene: WNK3 (WNK lysine deficient protein kinase 3; minus strand). Cytogenetic location: Xp11.22.
Variant type: single nucleotide variant.
Coding change: c.569G>A on transcript NM_020922.5 (MANE Select); coding-DNA position 569, G replaced by A.
Protein change: p.Arg190Lys; replaces arginine 190 with lysine.
Molecular consequence: missense variant.
Genome position (GRCh38, 1-based): chrX:54,311,260, C>T on the plus strand (G>A on the coding strand, the complement: WNK3 is on the minus strand). VCF-style: chrX-54311260-C-T. GRCh37 (hg19) VCF-style: chrX-54337693-C-T.
Other names: p.Arg190Lys; c.569G>A, p.Arg190Lys (NM_001002838.4, NM_001395166.1); short protein forms R190K.
Identifiers: ClinVar variation 4852484 (VCV004852484.1).